The following is an entry in ClinVar:

NM_003482.4(KMT2D):c.15166C>G (p.Leu5056Val)

Gene: KMT2D (lysine methyltransferase 2D; minus strand). Cytogenetic location: 12q13.12.
Variant type: single nucleotide variant.
Coding change: c.15166C>G on transcript NM_003482.4 (MANE Select); coding-DNA position 15166, C replaced by G.
Protein change: p.Leu5056Val; replaces leucine 5056 with valine.
Molecular consequence: missense variant.
Genome position (GRCh38, 1-based): chr12:49,026,800, G>C on the plus strand (C>G on the coding strand, the complement: KMT2D is on the minus strand). VCF-style: chr12-49026800-G-C. GRCh37 (hg19) VCF-style: chr12-49420583-G-C.
Other names: short protein forms L5056V.
Identifiers: ClinVar variation 2826137 (VCV002826137.3), dbSNP rs1309007348, ClinGen allele CA384689460.

ClinVar aggregate classification (germline): Uncertain significance (1 of 4 stars; one submission).

Conditions:
Kabuki syndrome. Also called: NIIKAWA-KUROKI SYNDROME; Kabuki make-up syndrome. Identifiers: Orphanet 2322, MedGen C0796004, MONDO:0016512.

Submission:

Labcorp Genetics (formerly Invitae), Labcorp
Classification: Uncertain significance for Kabuki syndrome. Last evaluated: 2023-01-10. Review status: criteria provided, single submitter. Criteria: Invitae Variant Classification Sherloc (09022015). Collection method: clinical testing. Allele origin: germline.
Comment: In summary, the available evidence is currently insufficient to determine the role of this variant in disease. Therefore, it has been classified as a Variant of Uncertain Significance. Advanced modeling of protein sequence and biophysical properties (such as structural, functional, and spatial information, amino acid conservation, physicochemical variation, residue mobility, and thermodynamic stability) has been performed at Invitae for this missense variant, however the output from this modeling did not meet the statistical confidence thresholds required to predict the impact of this variant on KMT2D protein function. This variant has not been reported in the literature in individuals affected with KMT2D-related conditions. This variant is not present in population databases (gnomAD no frequency). This sequence change replaces leucine, which is neutral and non-polar, with valine, which is neutral and non-polar, at codon 5056 of the KMT2D protein (p.Leu5056Val).